The following is an entry in ClinVar:

ClinVar aggregate classification (germline): Pathogenic/Likely pathogenic. Review status: criteria provided, multiple submitters, no conflicts (2 of 4 stars). 2 submissions from 2 submitters: Pathogenic (1); Likely pathogenic (1). Last evaluated 2025-11-05.

Conditions:
Autosomal recessive polycystic kidney disease (ARPKD). Also called: AR polycystic kidney disease. Identifiers: Orphanet 731, Orphanet 8378, MedGen C0085548, MeSH D017044, MONDO:0009889.

Submissions (2):

Natera, Inc.
Classification: Likely pathogenic for Autosomal recessive polycystic kidney disease. Last evaluated: 2025-11-05. Review status: criteria provided, single submitter. Criteria: Natera Variant Classification Schema (03/2026). Collection method: clinical testing. Allele origin: germline.
Comment: The c.134_154delinsAG variant in PKHD1 is a frameshift variant predicted to shift the reading frame and introduce a stop codon. This variant is expected to result in nonsense mediated decay, truncation, or a dysfunctional protein product. This variant is rare in the general population with a frequency below the threshold expected for the associated phenotype(s). Given the available evidence, this variant is classified as Likely Pathogenic.

Labcorp Genetics (formerly Invitae), Labcorp
Classification: Pathogenic for Autosomal recessive polycystic kidney disease. Last evaluated: 2019-11-15. Review status: criteria provided, single submitter. Criteria: Invitae Variant Classification Sherloc (09022015). Collection method: clinical testing. Allele origin: germline.
Comment: For these reasons, this variant has been classified as Pathogenic. Loss-of-function variants in PKHD1 are known to be pathogenic (PMID: 19940839). Algorithms developed to predict the effect of sequence changes on RNA splicing suggest that this variant may create or strengthen a splice site, but this prediction has not been confirmed by published transcriptional studies. This variant has not been reported in the literature in individuals with PKHD1-related conditions. This variant is not present in population databases (ExAC no frequency). This sequence change creates a premature translational stop signal (p.Leu45*) in the PKHD1 gene. It is expected to result in an absent or disrupted protein product.

Literature cited by the submitters: PubMed 19940839 (cited by Labcorp Genetics (formerly Invitae), Labcorp).

NM_138694.4(PKHD1):c.134_154delinsAG (p.Leu45_Pro52delinsTer)

Gene: PKHD1 (PKHD1 ciliary IPT domain containing fibrocystin/polyductin; minus strand). Cytogenetic location: 6p12.2.
Variant type: Indel.
Coding change: c.134_154delinsAG on transcript NM_138694.4 (MANE Select); coding-DNA positions 134 to 154, TGGAGTTGGGTGTTCTTTACC replaced by AG.
Protein change: p.Leu45_Pro52delinsTer.
Molecular consequence: nonsense.
Genome position (GRCh38, 1-based): chr6:52,082,519-52,082,539, GGTAAAGAACACCCAACTCCA replaced by CT on the plus strand (TGGAGTTGGGTGTTCTTTACC replaced by AG on the coding strand, the reverse complement: PKHD1 is on the minus strand). VCF-style: chr6-52082519-GGTAAAGAACACCCAACTCCA-CT. GRCh37 (hg19) VCF-style: chr6-51947317-GGTAAAGAACACCCAACTCCA-CT.
Other names: c.134_154delinsAG, p.Leu45_Pro52delinsTer (NM_170724.3).
Identifiers: ClinVar variation 965862 (VCV000965862.7), dbSNP rs1812193678, ClinGen allele CA1139659621.